The following is an entry in ClinVar:

ClinVar aggregate classification (germline): Conflicting classifications of pathogenicity. Review status: criteria provided, conflicting classifications (1 of 4 stars). 4 submissions from 4 submitters: Uncertain significance (1); Benign (2); Likely benign (1). Last evaluated 2025-09-10.

Conditions:
Kleefstra syndrome 1 (KLEFS1). Identifiers: Orphanet 261494, MedGen C0795833, MONDO:0027407, OMIM 610253.

Allele frequency attached by ClinVar (database versions not stated): ExAC 0.00001; gnomAD 0.00001; gnomAD exomes 0.00001; TOPMed 0.00002.
gnomAD v4.1: 38 of 1,612,958 alleles (0.0024%); highest among the groups gnomAD compares: Non-Finnish European, 0.003%; no homozygotes.

Submissions (4):

Labcorp Genetics (formerly Invitae), Labcorp
Classification: Benign for Kleefstra syndrome 1. Last evaluated: 2025-09-10. Review status: criteria provided, single submitter. Criteria: Invitae Variant Classification Sherloc (09022015). Collection method: clinical testing. Allele origin: germline.

CeGaT Center for Human Genetics Tuebingen
Classification: Likely benign. Last evaluated: 2024-09-01. Review status: criteria provided, single submitter. Criteria: CeGaT Center For Human Genetics Tuebingen Variant Classification Criteria Version 2. Collection method: clinical testing. Allele origin: germline. Affected: yes. Observed: 1 variant allele.
Comment: EHMT1: BP4

Women's Health and Genetics/Laboratory Corporation of America, LabCorp
Classification: Uncertain significance. Last evaluated: 2022-04-08. Review status: criteria provided, single submitter. Criteria: LabCorp Variant Classification Summary - May 2015. Collection method: clinical testing. Allele origin: germline.
Comment: Variant summary: EHMT1 c.2026G>A (p.Gly676Arg) results in a non-conservative amino acid change in the encoded protein sequence. Three of five in-silico tools predict a damaging effect of the variant on protein function. The variant allele was found at a frequency of 1.2e-05 in 251048 control chromosomes. The available data on variant occurrences in the general population are insufficient to allow any conclusion about variant significance. To our knowledge, no occurrence of c.2026G>A in individuals affected with Kleefstra Syndrome 1 and no experimental evidence demonstrating its impact on protein function have been reported. Two clinical diagnostic laboratories have submitted clinical-significance assessments for this variant to ClinVar after 2014 without evidence for independent evaluation. One laboratory classified the variant as benign/likely benign, and one laboratory classified the variant as uncertain significance. Based on the evidence outlined above, the variant was classified as uncertain significance.

Institute for Genomic Medicine (IGM) Clinical Laboratory, Nationwide Children's Hospital
Classification: Benign. Last evaluated: 2017-10-04. Review status: criteria provided, single submitter. Criteria: ACMG Guidelines, 2015. Collection method: clinical testing. Allele origin: germline.
Comment: BS1, BS2, BP1, BP4; This alteration has an allele frequency that is greater than expected for the associated disease, was seen in a healthy adult where full penetrance of the disorder is expected at an early age, is a missense alteration in a gene for which primarily truncating variants are known to cause disease, and is predicted to be tolerated by multiple functional prediction tools.

NM_024757.5(EHMT1):c.2026G>A (p.Gly676Arg)

Gene: EHMT1 (euchromatic histone lysine methyltransferase 1; plus strand). Cytogenetic location: 9q34.3.
Variant type: single nucleotide variant.
Coding change: c.2026G>A on transcript NM_024757.5 (MANE Select); coding-DNA position 2026, G replaced by A.
Protein change: p.Gly676Arg; replaces glycine 676 with arginine.
Molecular consequence: missense variant.
Genome position (GRCh38, 1-based): chr9:137,777,889, G>A. VCF-style: chr9-137777889-G-A. GRCh37 (hg19) VCF-style: chr9-140672341-G-A.
Other names: c.2026G>A, p.Gly676Arg (NM_001145527.2); c.1933G>A, p.Gly645Arg (NM_001354259.2); c.2005G>A, p.Gly669Arg (NM_001354263.2); short protein forms G676R, G645R, G669R.
Identifiers: ClinVar variation 599476 (VCV000599476.29), dbSNP rs757416132, ClinGen allele CA5374801.